The following is an entry in ClinVar:

NM_017780.4(CHD7):c.7294G>A (p.Val2432Met)

Gene: CHD7 (chromodomain helicase DNA binding protein 7; plus strand). Cytogenetic location: 8q12.2.
Variant type: single nucleotide variant.
Coding change: c.7294G>A on transcript NM_017780.4 (MANE Select); coding-DNA position 7294, G replaced by A.
Protein change: p.Val2432Met; replaces valine 2432 with methionine.
Molecular consequence: missense variant. On other transcripts: intron variant (1).
Genome position (GRCh38, 1-based): chr8:60,856,574, G>A. VCF-style: chr8-60856574-G-A. GRCh37 (hg19) VCF-style: chr8-61769133-G-A.
Other names: c.1717-5655G>A (NM_001316690.1); short protein forms V2432M.
Identifiers: ClinVar variation 909745 (VCV000909745.20), dbSNP rs372078650, ClinGen allele CA4760789.

ClinVar aggregate classification (germline): Likely benign. Review status: criteria provided, multiple submitters, no conflicts (2 of 4 stars). 4 submissions from 4 submitters: Likely benign (4). Last evaluated 2026-01-11.

Conditions:
Hypogonadotropic hypogonadism 5 with or without anosmia (KAL5). Also called: HYPOGONADOTROPIC HYPOGONADISM 5 WITH ANOSMIA; HYPOGONADOTROPHIC HYPOGONADISM 5 WITHOUT ANOSMIA; CHD7-Related GnRH Deficiency (Kallmann Syndrome 5). Identifiers: Orphanet 478, MedGen C3552553, MONDO:0012880, OMIM 612370. Disease mechanism: loss of function.
CHARGE syndrome (CHARGE). Also called: CHARGE ASSOCIATION--COLOBOMA, HEART ANOMALY, CHOANAL ATRESIA, RETARDATION, GENITAL AND EAR ANOMALIES; Coloboma, heart anomaly, choanal atresia, retardation, genital and ear anomalies; CHARGE association; Hall-Hittner syndrome; Hittner Hirsch Kreh syndrome. Identifiers: Orphanet 138, MedGen C0265354, MONDO:0008965.

Allele frequency attached by ClinVar (database versions not stated): TOPMed 0.00003; gnomAD 0.00005; gnomAD exomes 0.00006 and 0.00008; ESP Exome Variant Server 0.00008; ExAC 0.00010.
gnomAD v4.1: 92 of 1,613,902 alleles (0.0057%); highest among the groups gnomAD compares: Admixed American, 0.017%; no homozygotes.

Submissions (4):

Labcorp Genetics (formerly Invitae), Labcorp
Classification: Likely benign for CHARGE syndrome. Last evaluated: 2026-01-11. Review status: criteria provided, single submitter. Criteria: Invitae Variant Classification Sherloc (09022015). Collection method: clinical testing. Allele origin: germline.

CeGaT Center for Human Genetics Tuebingen
Classification: Likely benign. Last evaluated: 2025-03-01. Review status: criteria provided, single submitter. Criteria: CeGaT Center For Human Genetics Tuebingen Variant Classification Criteria Version 2. Collection method: clinical testing. Allele origin: germline. Affected: yes. Observed: 1 variant allele.
Comment: CHD7: BS1

Blueprint Genetics
Classification: Likely benign. Last evaluated: 2022-02-22. Review status: criteria provided, single submitter. Criteria: ACMG Guidelines, 2015. Collection method: clinical testing. Allele origin: germline.

Illumina Laboratory Services, Illumina
Classification: Likely benign for Kallmann Syndrome 5. Last evaluated: 2017-04-28. Review status: criteria provided, single submitter. Criteria: ICSL Variant Classification Criteria 13 December 2019. Collection method: clinical testing. Allele origin: germline.
Comment: This variant was observed as part of a predisposition screen in an ostensibly healthy population. A literature search was performed for the gene, cDNA change, and amino acid change (where applicable). No publications were found based on this search. Allele frequency data from public databases allowed determination this variant is unlikely to cause disease. Therefore, this variant is classified as likely benign.